The following is an entry in ClinVar:

ClinVar aggregate classification (germline): Uncertain significance (1 of 4 stars; one submission).

gnomAD v4.1: 1 of 1,612,548 alleles (0.000062%); highest among the groups gnomAD compares: Non-Finnish European, 0.000085%; no homozygotes.

Submission:

Labcorp Genetics (formerly Invitae), Labcorp
Classification: Uncertain significance. Last evaluated: 2022-07-19. Review status: criteria provided, single submitter. Criteria: Invitae Variant Classification Sherloc (09022015). Collection method: clinical testing. Allele origin: germline.
Comment: This variant has not been reported in the literature in individuals affected with CTU2-related conditions. The frequency data for this variant in the population databases is considered unreliable, as metrics indicate poor data quality at this position in the gnomAD database. This sequence change replaces aspartic acid with tyrosine at codon 333 of the CTU2 protein (p.Asp333Tyr). The aspartic acid residue is moderately conserved and there is a large physicochemical difference between aspartic acid and tyrosine. ClinVar contains an entry for this variant (Variation ID: 1383587). In summary, the available evidence is currently insufficient to determine the role of this variant in disease. Therefore, it has been classified as a Variant of Uncertain Significance. Algorithms developed to predict the effect of missense changes on protein structure and function are either unavailable or do not agree on the potential impact of this missense change (SIFT: "Not Available"; PolyPhen-2: "Possibly Damaging"; Align-GVGD: "Not Available").

NM_001012759.3(CTU2):c.997G>T (p.Asp333Tyr)

Gene: CTU2 (cytosolic thiouridylase subunit 2; plus strand). Cytogenetic location: 16q24.3.
Variant type: single nucleotide variant.
Coding change: c.997G>T on transcript NM_001012759.3 (MANE Select); coding-DNA position 997, G replaced by T.
Protein change: p.Asp333Tyr; replaces aspartic acid 333 with tyrosine.
Molecular consequence: missense variant.
Genome position (GRCh38, 1-based): chr16:88,713,770, G>T. VCF-style: chr16-88713770-G-T. GRCh37 (hg19) VCF-style: chr16-88780178-G-T.
Other names: c.997G>T, p.Asp333Tyr (NM_001012762.3); c.1210G>T, p.Asp404Tyr (NM_001318507.2); c.736G>T, p.Asp246Tyr (NM_001318513.2); short protein forms D333Y, D404Y, D246Y.
Identifiers: ClinVar variation 1383587 (VCV001383587.6), dbSNP rs780495568, ClinGen allele CA8230688.